The following is an entry in ClinVar:

ClinVar aggregate classification (germline): Likely pathogenic (1 of 4 stars; one submission).

Conditions:
Mucopolysaccharidosis type 6 (MPS6). Also called: N-ACETYLGALACTOSAMINE-4-SULFATASE DEFICIENCY; MPS VI; MPS 6; Maroteaux Lamy syndrome; ARSB DEFICIENCY; ARYLSULFATASE B DEFICIENCY. Identifiers: Orphanet 583, MedGen C0026709, MONDO:0009661, OMIM 253200.

Submission:

Laboratory of Diagnosis and Therapy of Lysosomal Disorders, University of Padova
Classification: Likely pathogenic for Mucopolysaccharidosis type 6. Last evaluated: 2018-01-01. Review status: criteria provided, single submitter. Criteria: ACMG Guidelines, 2015. Collection method: curation. Allele origin: germline. Affected: yes.
Comment: Multiexon deletion (PVS1); Absent from GnomAD (PM2)

Literature cited by the submitters: PubMed 25190157; PubMed 30118150.

NM_000046.4:c.(312+1_313-1_690+1_691-1)del

Gene: ARSB (arylsulfatase B; minus strand). Cytogenetic location: 5q14.1.
Variant type: Deletion.
Identifiers: ClinVar variation 559661 (VCV000559661.1).